The following is an entry in ClinVar:

ClinVar aggregate classification (germline): Uncertain significance (1 of 4 stars; one submission).

Conditions:
Coffin-Siris syndrome 10. Also called: INTELLECTUAL DEVELOPMENTAL DISORDER WITH SPEECH DELAY AND DYSMORPHIC FACIES. Identifiers: MedGen C4760583, MONDO:0032791, OMIM 618506.

Submission:

Genetics and Molecular Pathology, SA Pathology
Classification: Uncertain significance for Coffin-Siris syndrome 10. Last evaluated: 2023-07-20. Review status: criteria provided, single submitter. Criteria: ACMG Guidelines, 2015. Collection method: clinical testing. Allele origin: germline. Inheritance: Autosomal dominant inheritance. Affected: yes.
Comment: The SOX4 c.91_92delGCinsAA variant is classified as a VARIANT of UNCERTAIN SIGNIFICANCE (PS2, PM2, BP4) The SOX4 c.91_92delGCinsAA variant is a single nucleotide change in exon 1/1 of the SOX4 gene, which is predicted to change the amino acid alanine at position 31 in the protein to asparagine. This variant is absent from population databases (PM2). Multiple lines of computational evidence suggest this variant has no impact on the gene or gene product (BP4). This variant has not been reported in dbSNP, ClinVar or HGMD.

NM_003107.3(SOX4):c.91_92delinsAA (p.Ala31Asn)

Gene: SOX4 (SRY-box transcription factor 4; plus strand). Cytogenetic location: 6p22.3.
Variant type: Indel.
Coding change: c.91_92delinsAA on transcript NM_003107.3 (MANE Select); coding-DNA positions 91 to 92, GC replaced by AA.
Protein change: p.Ala31Asn; replaces alanine 31 with asparagine.
Molecular consequence: missense variant.
Genome position (GRCh38, 1-based): chr6:21,594,625-21,594,626, GC replaced by AA. VCF-style: chr6-21594625-GC-AA. GRCh37 (hg19) VCF-style: chr6-21594856-GC-AA.
Other names: c.91_92delGCinsAA (NM_003107.3); short protein forms A31N.
Identifiers: ClinVar variation 2664807 (VCV002664807.1), dbSNP rs2532638999, ClinGen allele CA2580611796.